The following is an entry in ClinVar:

ClinVar aggregate classification (germline): Uncertain significance. Review status: criteria provided, multiple submitters, no conflicts (2 of 4 stars). 2 submissions from 2 submitters: Uncertain significance (2). Last evaluated 2025-01-20.

Conditions:
Inborn genetic diseases. Identifiers: MedGen C0950123, MeSH D030342.

Allele frequency attached by ClinVar (database versions not stated): TOPMed below 0.00001.
gnomAD v4.1: 4 of 1,614,168 alleles (0.00025%); highest among the groups gnomAD compares: African/African-American, 0.004%; no homozygotes.

Submissions (2):

Ambry Genetics
Classification: Uncertain significance for Inborn genetic diseases. Last evaluated: 2025-01-20. Review status: criteria provided, single submitter. Criteria: Ambry Variant Classification Scheme 2023. Collection method: clinical testing. Allele origin: germline.

Labcorp Genetics (formerly Invitae), Labcorp
Classification: Uncertain significance. Last evaluated: 2021-01-12. Review status: criteria provided, single submitter. Criteria: Invitae Variant Classification Sherloc (09022015). Collection method: clinical testing. Allele origin: germline.
Comment: In summary, the available evidence is currently insufficient to determine the role of this variant in disease. Therefore, it has been classified as a Variant of Uncertain Significance. Algorithms developed to predict the effect of missense changes on protein structure and function are either unavailable or do not agree on the potential impact of this missense change (SIFT: "Not Available"; PolyPhen-2: "Benign"; Align-GVGD: "Not Available"). This variant has not been reported in the literature in individuals with RAB33B-related conditions. This variant is present in population databases (rs763510197, ExAC 0.01%). This sequence change replaces serine with arginine at codon 154 of the RAB33B protein (p.Ser154Arg). The serine residue is weakly conserved and there is a moderate physicochemical difference between serine and arginine.

NM_031296.3(RAB33B):c.462T>A (p.Ser154Arg)

Gene: RAB33B (RAB33B, member RAS oncogene family; plus strand). Cytogenetic location: 4q31.1.
Variant type: single nucleotide variant.
Coding change: c.462T>A on transcript NM_031296.3 (MANE Select); coding-DNA position 462, T replaced by A.
Protein change: p.Ser154Arg; replaces serine 154 with arginine.
Molecular consequence: missense variant.
Genome position (GRCh38, 1-based): chr4:139,472,898, T>A. VCF-style: chr4-139472898-T-A. GRCh37 (hg19) VCF-style: chr4-140394052-T-A.
Other names: c.462T>A (NM_031296.1); short protein forms S154R.
Identifiers: ClinVar variation 1516088 (VCV001516088.7), dbSNP rs763510197, ClinGen allele CA3084021.